The following is an entry in ClinVar:

NM_018979.4(WNK1):c.3573G>C (p.Met1191Ile)

Gene: WNK1 (WNK lysine deficient protein kinase 1; plus strand). Cytogenetic location: 12p13.33.
Variant type: single nucleotide variant.
Coding change: c.3573G>C on transcript NM_018979.4 (MANE Select); coding-DNA position 3573, G replaced by C.
Protein change: p.Met1191Ile; replaces methionine 1191 with isoleucine.
Molecular consequence: missense variant.
Genome position (GRCh38, 1-based): chr12:883,478, G>C. VCF-style: chr12-883478-G-C. GRCh37 (hg19) VCF-style: chr12-992644-G-C.
Other names: c.4353G>C, p.Met1451Ile (NM_001184985.2); c.2832G>C, p.Met944Ile (NM_014823.3); c.4329G>C, p.Met1443Ile (NM_213655.5); short protein forms M1443I, M1191I, M1451I, M944I.
Identifiers: ClinVar variation 471181 (VCV000471181.8), dbSNP rs1555148491, ClinGen allele CA383329126.

ClinVar aggregate classification (germline): Uncertain significance (1 of 4 stars; one submission).

Conditions:
Neuropathy, hereditary sensory and autonomic, type 2A (HSAN2A). Also called: HSAN IIA; WNK1-Related HSAN2 (HSAN2A); ACROOSTEOLYSIS, GIACCAI TYPE; ACROOSTEOLYSIS, NEUROGENIC; MORVAN DISEASE; NEUROPATHY, CONGENITAL SENSORY. Identifiers: Orphanet 970, MedGen C2752089, MONDO:0024309, OMIM 201300.
Pseudohypoaldosteronism type 2C (PHA2C). Also called: Pseudohypoaldosteronism Type IIC. Identifiers: Orphanet 757, Orphanet 88940, MedGen C1840391, MONDO:0013778, OMIM 614492.

Submission:

Labcorp Genetics (formerly Invitae), Labcorp
Classification: Uncertain significance for Neuropathy, hereditary sensory and autonomic, type 2A; Pseudohypoaldosteronism type 2C. Last evaluated: 2016-09-20. Review status: criteria provided, single submitter. Criteria: Invitae Variant Classification Sherloc (09022015). Collection method: clinical testing. Allele origin: germline.
Comment: In summary, this variant is a novel missense change with uncertain impact on protein function. It has been classified as a Variant of Uncertain Significance. Algorithms developed to predict the effect of missense changes on protein structure and function do not agree on the potential impact of this missense change (SIFT: "Deleterious"; PolyPhen-2: "Possibly Damaging"; Align-GVGD: "Class C0"). This variant is not present in population databases (ExAC no frequency) and has not been reported in the literature in individuals with a WNK1-related disease. This sequence change replaces methionine with isoleucine at codon 1191 of the WNK1 protein (p.Met1191Ile). The methionine residue is highly conserved and there is a small physicochemical difference between methionine and isoleucine.